The following is an entry in ClinVar:

ClinVar aggregate classification (germline): Pathogenic/Likely pathogenic. Review status: criteria provided, multiple submitters, no conflicts (2 of 4 stars). 2 submissions from 2 submitters: Pathogenic (1); Likely pathogenic (1). Last evaluated 2025-03-31.

Conditions:
Cohen syndrome (COH1). Also called: Cutis verticis gyrata, retinitis pigmentosa, and sensorineural deafness; PEPPER SYNDROME. Identifiers: Orphanet 193, MedGen C0265223, MONDO:0008999, OMIM 216550.
VPS13B-related disorder. Also called: VPS13B-related condition.

Submissions (2):

PreventionGenetics, part of Exact Sciences
Classification: Likely pathogenic for VPS13B-related condition. Last evaluated: 2025-03-31. Review status: criteria provided, single submitter. Criteria: ACMG Guidelines, 2015. Collection method: clinical testing. Allele origin: germline.
Comment: The VPS13B c.1378delA variant is predicted to result in a frameshift and premature protein termination (p.Ile460Leufs*11). To our knowledge, this variant has not been reported in the literature or in a large population database (gnomAD), indicating this variant is rare. Frameshift variants in VPS13B are expected to be pathogenic. This variant is interpreted as likely pathogenic.

Labcorp Genetics (formerly Invitae), Labcorp
Classification: Pathogenic for Cohen syndrome. Last evaluated: 2023-02-21. Review status: criteria provided, single submitter. Criteria: Invitae Variant Classification Sherloc (09022015). Collection method: clinical testing. Allele origin: germline.
Comment: This variant is not present in population databases (gnomAD no frequency). For these reasons, this variant has been classified as Pathogenic. This variant has not been reported in the literature in individuals affected with VPS13B-related conditions. This sequence change creates a premature translational stop signal (p.Ile460Leufs*11) in the VPS13B gene. It is expected to result in an absent or disrupted protein product. Loss-of-function variants in VPS13B are known to be pathogenic (PMID: 15141358, 16648375, 20461111).

Literature cited by the submitters: PubMed 15141358 (cited by Labcorp Genetics (formerly Invitae), Labcorp); PubMed 16648375 (cited by Labcorp Genetics (formerly Invitae), Labcorp); PubMed 20461111 (cited by Labcorp Genetics (formerly Invitae), Labcorp).

NM_152564.5(VPS13B):c.1378del (p.Ile460fs)

Gene: VPS13B (vacuolar protein sorting 13 homolog B; plus strand). Cytogenetic location: 8q22.2.
Variant type: Deletion.
Coding change: c.1378del on transcript NM_152564.5 (MANE Select); coding-DNA position 1378, one base deleted (A; older notation c.1378delA).
Protein change: p.Ile460fs; shifts the reading frame from isoleucine 460.
Molecular consequence: frameshift variant.
Genome position (GRCh38, 1-based): chr8:99,135,090, A deleted; the last of 2 consecutive A bases (chr8:99,135,089-99,135,090); deleting either gives the same sequence. VCF-style (leftmost placement, unchanged base first): chr8-99135088-GA-G. GRCh37 (hg19) VCF-style: chr8-100147316-GA-G.
Other names: c.1378delA (NM_152564.4); c.1378del, p.Ile460fs (NM_015243.3, NM_017890.5); short protein forms I460fs.
Identifiers: ClinVar variation 2964209 (VCV002964209.4), dbSNP rs1810006084, ClinGen allele CA1805586497.